The following is an entry in ClinVar:

ClinVar aggregate classification (germline): Uncertain significance. Review status: criteria provided, multiple submitters, no conflicts (2 of 4 stars). 2 submissions from 2 submitters: Uncertain significance (2). Last evaluated 2025-08-04.

Conditions:
Hereditary spastic paraplegia 47. Also called: adaptor protein 4 (AP-4) deficiency syndrome; CEREBRAL PALSY, SPASTIC QUADRIPLEGIC, 5; Spastic paraplegia 47, autosomal recessive. Identifiers: Orphanet 280763, MedGen C3279738, MONDO:0013551, OMIM 614066.
Inborn genetic diseases. Identifiers: MedGen C0950123, MeSH D030342.

Allele frequency attached by ClinVar (database versions not stated): ExAC 0.00001; gnomAD exomes 0.00001; gnomAD 0.00002 and 0.00004; TOPMed 0.00002.

Submissions (2):

Ambry Genetics
Classification: Uncertain significance for Inborn genetic diseases. Last evaluated: 2025-08-04. Review status: criteria provided, single submitter. Criteria: Ambry Variant Classification Scheme 2023. Collection method: clinical testing. Allele origin: germline.

Labcorp Genetics (formerly Invitae), Labcorp
Classification: Uncertain significance for Hereditary spastic paraplegia 47. Last evaluated: 2021-09-01. Review status: criteria provided, single submitter. Criteria: Invitae Variant Classification Sherloc (09022015). Collection method: clinical testing. Allele origin: germline.
Comment: This sequence change replaces alanine with threonine at codon 263 of the AP4B1 protein (p.Ala263Thr). The alanine residue is highly conserved and there is a small physicochemical difference between alanine and threonine. This variant is present in population databases (rs760880631, ExAC 0.002%). This variant has not been reported in the literature in individuals affected with AP4B1-related conditions. Algorithms developed to predict the effect of missense changes on protein structure and function (SIFT, PolyPhen-2, Align-GVGD) all suggest that this variant is likely to be tolerated. In summary, the available evidence is currently insufficient to determine the role of this variant in disease. Therefore, it has been classified as a Variant of Uncertain Significance.

NM_001253852.3(AP4B1):c.787G>A (p.Ala263Thr)

Genes: AP4B1-AS1 (AP4B1 antisense RNA 1; plus strand), AP4B1 (adaptor related protein complex 4 subunit beta 1; minus strand). Cytogenetic location: 1p13.2.
Variant type: single nucleotide variant.
Coding change: c.787G>A on transcript NM_001253852.3 (MANE Select); coding-DNA position 787, G replaced by A.
Protein change: p.Ala263Thr; replaces alanine 263 with threonine.
Molecular consequence: missense variant. On other transcripts: non-coding transcript variant (2).
Genome position (GRCh38, 1-based): chr1:113,900,231, C>T on the plus strand (G>A on the coding strand, the complement: AP4B1 is on the minus strand). VCF-style: chr1-113900231-C-T. GRCh37 (hg19) VCF-style: chr1-114442853-C-T.
Other names: c.490G>A, p.Ala164Thr (NM_001253853.3); c.283G>A, p.Ala95Thr (NM_001308312.2); c.787G>A, p.Ala263Thr (NM_006594.5); c.787G>A (NM_006594.2); short protein forms A263T, A164T, A95T.
Identifiers: ClinVar variation 408760 (VCV000408760.7), dbSNP rs760880631, ClinGen allele CA1016014.
Genomic context (GRCh38, chr1:113,900,231, plus strand): 5'-CTAGCAAAGGTCCCTTGACCCGCACAAGGACATCAGTTTGTACGTGGGGAAACATTTTTG[C>T]CAAGATCAGAAAAAGTTTGGTAGCTCCCATCACCACACCTGGGCTACTGCTCTTGAGGAA-3'
Protein context (NP_001240781.1, residues 253-273): MGATKLFLIL[Ala263Thr]KMFPHVQTDV